The following is an entry in ClinVar:

ClinVar aggregate classification (germline): Uncertain significance. Review status: criteria provided, multiple submitters, no conflicts (2 of 4 stars). 3 submissions from 3 submitters: Uncertain significance (2). 1 of the submissions does not count toward it. Last evaluated 2024-11-30.

Conditions:
Retinal dystrophy. Also called: Inherited retinal dystrophy. Identifiers: Orphanet 71862, MedGen C0854723, MeSH D058499, MONDO:0019118, HP:0000556.

Allele frequency attached by ClinVar (database versions not stated): ExAC 0.00006; TOPMed 0.00006; gnomAD 0.00007.
gnomAD v4.1: 59 of 1,605,544 alleles (0.0037%); highest among the groups gnomAD compares: Middle Eastern, 0.066%; no homozygotes.

Submissions (3):

Labcorp Genetics (formerly Invitae), Labcorp
Classification: Uncertain significance. Last evaluated: 2024-11-30. Review status: criteria provided, single submitter. Criteria: Invitae Variant Classification Sherloc (09022015). Collection method: clinical testing. Allele origin: germline.
Comment: This sequence change replaces phenylalanine, which is neutral and non-polar, with leucine, which is neutral and non-polar, at codon 390 of the CEP78 protein (p.Phe390Leu). This variant is present in population databases (rs764314735, gnomAD 0.006%). This variant has not been reported in the literature in individuals affected with CEP78-related conditions. ClinVar contains an entry for this variant (Variation ID: 2175508). Invitae Evidence Modeling of protein sequence and biophysical properties (such as structural, functional, and spatial information, amino acid conservation, physicochemical variation, residue mobility, and thermodynamic stability) indicates that this missense variant is not expected to disrupt CEP78 protein function with a negative predictive value of 80%. In summary, the available evidence is currently insufficient to determine the role of this variant in disease. Therefore, it has been classified as a Variant of Uncertain Significance.

Blueprint Genetics
Classification: Uncertain significance. Last evaluated: 2023-05-03. Review status: criteria provided, single submitter. Criteria: ACMG Guidelines, 2015. Collection method: clinical testing. Allele origin: germline.

Institute of Human Genetics, Univ. Regensburg, Univ. Regensburg
Classification: Uncertain significance for Retinal dystrophy. Last evaluated: 2022-01-01. Review status: no assertion criteria provided. Criteria: ACMG Guidelines, 2015. Collection method: clinical testing. Allele origin: germline. Affected: yes. Not counted in ClinVar's aggregate classification.

NM_001330691.3(CEP78):c.1165T>C (p.Phe389Leu)

Gene: CEP78 (centrosomal protein 78; plus strand). Cytogenetic location: 9q21.2.
Variant type: single nucleotide variant.
Coding change: c.1165T>C on transcript NM_001330691.3 (MANE Select); coding-DNA position 1165, T replaced by C.
Protein change: p.Phe389Leu; replaces phenylalanine 389 with leucine.
Molecular consequence: missense variant.
Genome position (GRCh38, 1-based): chr9:78,252,003, T>C. VCF-style: chr9-78252003-T-C. GRCh37 (hg19) VCF-style: chr9-80866919-T-C.
Other names: c.1168T>C, p.Phe390Leu (NM_001098802.3, NM_001349839.2, NM_001349840.2 and 1 more transcripts); c.1165T>C, p.Phe389Leu (NM_001349838.2, NM_001330693.3, NM_001330694.2); short protein forms F390L, F389L.
Identifiers: ClinVar variation 2175508 (VCV002175508.5), dbSNP rs764314735, ClinGen allele CA5095159.
Genomic context (GRCh38, chr9:78,252,003, plus strand): 5'-AAACACTCCCTTGGTAAAGAATATTATGCGCCCGCACCTCTTCCACCTGGTGTGTCTGGT[T>C]TCTTGCCGTGGCGTACTGCAGAACGTGCAAAAAGACACAGGTAGGGTATTTTTATTTCCT-3'
Protein context (NP_001317620.1, residues 379-399): PAPLPPGVSG[Phe389Leu]LPWRTAERAK